The following is an entry in ClinVar:

ClinVar aggregate classification (germline): Uncertain significance (1 of 4 stars; one submission).

Conditions:
Amyotrophic lateral sclerosis type 1 (ALS1). Also called: AMYOTROPHIC LATERAL SCLEROSIS 1, FAMILIAL. Identifiers: Orphanet 803, MedGen C1862939, MONDO:0007103, OMIM 105400.
Neuronopathy, distal hereditary motor, type 7B. Also called: HMN VIIB; LOWER MOTOR NEURON DISEASE, DYNACTIN TYPE; NEURONOPATHY, DISTAL HEREDITARY MOTOR, AUTOSOMAL DOMINANT 14; NEURONOPATHY, DISTAL HEREDITARY MOTOR, HARDING TYPE VIIB; NEUROPATHY, DISTAL HEREDITARY MOTOR, HARDING TYPE VIIB; NEUROPATHY, DISTAL HEREDITARY MOTOR, WITH VOCAL CORD PARALYSIS, HARDING TYPE VIIB. Identifiers: Orphanet 139589, MedGen C1843315, MONDO:0011879, OMIM 607641.
Perry syndrome. Also called: PARKINSONISM WITH ALVEOLAR HYPOVENTILATION AND MENTAL DEPRESSION. Identifiers: Orphanet 178509, MedGen C1868594, MONDO:0008201, OMIM 168605.

Allele frequency attached by ClinVar (database versions not stated): gnomAD exomes below 0.00001.

Submission:

Labcorp Genetics (formerly Invitae), Labcorp
Classification: Uncertain significance for Amyotrophic lateral sclerosis type 1; Neuronopathy, distal hereditary motor, type 7B; Perry syndrome. Last evaluated: 2025-11-17. Review status: criteria provided, single submitter. Criteria: Invitae Variant Classification Sherloc (09022015). Collection method: clinical testing. Allele origin: germline.
Comment: This sequence change replaces lysine, which is basic and polar, with arginine, which is basic and polar, at codon 902 of the DCTN1 protein (p.Lys902Arg). This variant is not present in population databases (gnomAD no frequency). This variant has not been reported in the literature in individuals affected with DCTN1-related conditions. ClinVar contains an entry for this variant (Variation ID: 2937781). Invitae Evidence Modeling of protein sequence and biophysical properties (such as structural, functional, and spatial information, amino acid conservation, physicochemical variation, residue mobility, and thermodynamic stability) indicates that this missense variant is not expected to disrupt DCTN1 protein function with a negative predictive value of 95%. In summary, the available evidence is currently insufficient to determine the role of this variant in disease. Therefore, it has been classified as a Variant of Uncertain Significance.

NM_004082.5(DCTN1):c.2705A>G (p.Lys902Arg)

Gene: DCTN1 (dynactin subunit 1; minus strand). Cytogenetic location: 2p13.1.
Variant type: single nucleotide variant.
Coding change: c.2705A>G on transcript NM_004082.5 (MANE Select); coding-DNA position 2705, A replaced by G.
Protein change: p.Lys902Arg; replaces lysine 902 with arginine.
Molecular consequence: missense variant. On other transcripts: non-coding transcript variant (1).
Genome position (GRCh38, 1-based): chr2:74,366,299, T>C on the plus strand (A>G on the coding strand, the complement: DCTN1 is on the minus strand). VCF-style: chr2-74366299-T-C. GRCh37 (hg19) VCF-style: chr2-74593426-T-C.
Other names: c.2645A>G, p.Lys882Arg (NM_001135040.3); c.2303A>G, p.Lys768Arg (NM_001135041.3, NM_023019.4); c.2594A>G, p.Lys865Arg (NM_001190836.2); c.2684A>G, p.Lys895Arg (NM_001190837.2); c.2654A>G, p.Lys885Arg (NM_001378991.1); c.2636A>G, p.Lys879Arg (NM_001378992.1); short protein forms K865R, K885R, K768R, K879R, K882R, K895R, K902R.
Identifiers: ClinVar variation 2937781 (VCV002937781.3), dbSNP rs1558936428, ClinGen allele CA347343306.